The following is an entry in ClinVar:

NM_176806.4(MOCS2):c.18+2T>A

Genes: MOCS2 (molybdenum cofactor synthesis 2; minus strand), LOC129993881 (ATAC-STARR-seq lymphoblastoid silent region 16005; plus strand). Cytogenetic location: 5q11.2.
Variant type: single nucleotide variant.
Coding change: c.18+2T>A on transcript NM_176806.4 (MANE Plus Clinical); the canonical splice donor site of the intron after coding-DNA position 18, T replaced by A.
Molecular consequence: splice donor variant. On other transcripts: 5 prime UTR variant (1).
Genome position (GRCh38, 1-based): chr5:53,109,710, A>T on the plus strand (T>A on the coding strand, the complement: MOCS2 is on the minus strand). VCF-style: chr5-53109710-A-T. GRCh37 (hg19) VCF-style: chr5-52405540-A-T.
Other names: c.-629T>A (NM_004531.5).
Identifiers: ClinVar variation 2727260 (VCV002727260.3), dbSNP rs2478623115, ClinGen allele CA359694246.

ClinVar aggregate classification (germline): Likely pathogenic (1 of 4 stars; one submission).

Submission:

Labcorp Genetics (formerly Invitae), Labcorp
Classification: Likely pathogenic. Last evaluated: 2023-05-26. Review status: criteria provided, single submitter. Criteria: Invitae Variant Classification Sherloc (09022015). Collection method: clinical testing. Allele origin: germline.
Comment: Algorithms developed to predict the effect of sequence changes on RNA splicing suggest that this variant may disrupt the consensus splice site. In summary, the currently available evidence indicates that the variant is pathogenic, but additional data are needed to prove that conclusively. Therefore, this variant has been classified as Likely Pathogenic. This sequence change affects a donor splice site in intron 1 of the MOCS2A gene. It is expected to disrupt RNA splicing. Variants that disrupt the donor or acceptor splice site typically lead to a loss of protein function (PMID: 16199547), and loss-of-function variants in MOCS2A are known to be pathogenic (PMID: 21031595). This variant is not present in population databases (gnomAD no frequency). This variant has not been reported in the literature in individuals affected with MOCS2A-related conditions.

Literature cited by the submitters: PubMed 16199547; PubMed 21031595.